The following is an entry in ClinVar:

NM_000238.4(KCNH2):c.74A>T (p.Gln25Leu)

Gene: KCNH2 (potassium voltage-gated channel subfamily H member 2; minus strand). Cytogenetic location: 7q36.1.
Variant type: single nucleotide variant.
Coding change: c.74A>T on transcript NM_000238.4 (MANE Select); coding-DNA position 74, A replaced by T.
Protein change: p.Gln25Leu; replaces glutamine 25 with leucine.
Molecular consequence: missense variant. On other transcripts: non-coding transcript variant (1).
Genome position (GRCh38, 1-based): chr7:150,977,840, T>A on the plus strand (A>T on the coding strand, the complement: KCNH2 is on the minus strand). VCF-style: chr7-150977840-T-A. GRCh37 (hg19) VCF-style: chr7-150674928-T-A.
Other names: c.74A>T, p.Gln25Leu (NM_172056.3); short protein forms Q25L.
Identifiers: ClinVar variation 3072124 (VCV003072124.1), dbSNP rs1325360828, ClinGen allele CA369866605.
Genomic context (GRCh38, chr7:150,977,840, plus strand): 5'-GGAAGAGCTCGGCCCGCCCCCAGAGCCCCCTCCCCGCTCAGCCCCCTCCCCCACTCACTC[T>A]GGCCCTCAAACTTGCGGATGATGGTGTCCAGGAAGGTGTTCTGCGGCGCGACGTGGCCCC-3'
Protein context (NP_000229.1, residues 15-35): LDTIIRKFEG[Gln25Leu]SRKFIIANAR

ClinVar aggregate classification (germline): Uncertain significance (1 of 4 stars; one submission).

Conditions:
Long QT syndrome (LQTS). Identifiers: MedGen C0023976, MeSH D008133, MONDO:0002442. Disease mechanism: loss of function. Inheritance: Various modes of inheritance.

Submission:

All of Us Research Program, National Institutes of Health
Classification: Uncertain significance for Long QT syndrome. Last evaluated: 2023-06-26. Review status: criteria provided, single submitter. Criteria: ACMG Guidelines, 2015. Collection method: clinical testing. Allele origin: germline. Inheritance: Autosomal dominant inheritance. Observed: 1 variant allele, 1 heterozygote.
Comment: This missense variant replaces glutamine with leucine at codon 25 of the KCNH2 protein. Computational prediction is inconclusive regarding the impact of this variant on protein structure and function (internally defined REVEL score threshold 0.5 < inconclusive < 0.7, PMID: 27666373). To our knowledge, functional studies have not been reported for this variant. This variant has not been reported in individuals affected with KCNH2-related disorders in the literature. This variant has not been identified in the general population by the Genome Aggregation Database (gnomAD). The available evidence is insufficient to determine the role of this variant in disease conclusively. Therefore, this variant is classified as a Variant of Uncertain Significance.

This study involves interpretation of variants in research participants for the purpose of population health screening. Participant phenotype was not available at the time of variant classification. Additional details can be found in publication PMID: 35346344, PMCID: PMC8962531